The following is an entry in ClinVar:

ClinVar aggregate classification (germline): Pathogenic/Likely pathogenic. Review status: criteria provided, multiple submitters, no conflicts (2 of 4 stars). 6 submissions from 6 submitters: Pathogenic (1); Likely pathogenic (4). 1 of the submissions does not count toward it. Last evaluated 2026-07-27.

Conditions:
Inborn genetic diseases. Identifiers: MedGen C0950123, MeSH D030342.
Propionic acidemia (PROP). Also called: GLYCINEMIA, KETOTIC; HYPERGLYCINEMIA WITH KETOACIDOSIS AND LEUKOPENIA; KETOTIC HYPERGLYCINEMIA. Identifiers: Orphanet 35, MedGen C0268579, MONDO:0011628, OMIM 606054, HP:0003571.

Allele frequency attached by ClinVar (database versions not stated): gnomAD 0.00001; gnomAD exomes 0.00001; TOPMed 0.00001.

Submissions (6):

Ambry Genetics
Classification: Pathogenic for Inborn genetic diseases. Last evaluated: 2026-07-27. Review status: criteria provided, single submitter. Criteria: Ambry Variant Classification Scheme 2023. Collection method: clinical testing. Allele origin: germline.
Comment: The c.1593_1595delATT (p.L532del) variant, located in exon 18 (coding exon 18) of the PCCA gene, results from an in-frame deletion of 3 nucleotides at positions c.1593 to c.1595. This results in the deletion of a leucine (L) residue at codon 532. Based on data from gnomAD, the c.1593_1595delATT (p.L532del) variant has an overall frequency of 0.001% (2/251204) total alleles studied. The highest observed frequency was 0.002% (2/113556) of European (non-Finnish) alleles. This variant has been identified in the homozygous state and/or in conjunction with other PCCA variant(s) in individual(s) with features consistent with propionic acidemia; in at least one instance, the variants were identified in trans (van Niekerk, 2024; P&eacute;rez, 2003; external communication). This amino acid position is well conserved in available vertebrate species. This variant is predicted to be deleterious by in silico analysis (Choi, 2012). Based on the available evidence, this alteration is classified as pathogenic.

Natera, Inc.
Classification: Likely pathogenic for Propionic acidemia. Last evaluated: 2026-01-06. Review status: criteria provided, single submitter. Criteria: Natera Variant Classification Schema (03/2026). Collection method: clinical testing. Allele origin: germline.
Comment: The c.1593_1595delATT variant in PCCA is an in-frame deletion predicted to remove leucine at amino acid 532 while preserving the reading frame. This variant is rare in the general population with a frequency below the threshold expected for the associated phenotype(s). This variant has been observed in one or more individuals affected with the associated recessive disease, as either homozygous or compound heterozygous with a second variant (PMID: 38702429, 31757659, 12559849). This variant results in a change to the protein length while preserving reading frame, which may disrupt normal protein structure or function. Given the available evidence, this variant is classified as Likely Pathogenic.

Labcorp Genetics (formerly Invitae), Labcorp
Classification: Likely pathogenic for Propionic acidemia. Last evaluated: 2025-09-10. Review status: criteria provided, single submitter. Criteria: Invitae Variant Classification Sherloc (09022015). Collection method: clinical testing. Allele origin: germline.
Comment: This variant, c.1593_1595del, results in the deletion of 1 amino acid(s) of the PCCA protein (p.Leu532del), but otherwise preserves the integrity of the reading frame. This variant is present in population databases (no rsID available, gnomAD 0.0009%). This variant has been observed in individual(s) with propionic acidemia (PMID: 12559849; internal data). In at least one individual the data is consistent with being in trans (on the opposite chromosome) from a pathogenic variant. ClinVar contains an entry for this variant (Variation ID: 554477). Experimental studies and prediction algorithms are not available or were not evaluated, and the functional significance of this variant is currently unknown. In summary, the currently available evidence indicates that the variant is pathogenic, but additional data are needed to prove that conclusively. Therefore, this variant has been classified as Likely Pathogenic.

Fulgent Genetics
Classification: Likely pathogenic for Propionic acidemia. Last evaluated: 2024-06-04. Review status: criteria provided, single submitter. Criteria: ACMG Guidelines, 2015. Collection method: clinical testing. Allele origin: germline.

GeneDx
Classification: Likely pathogenic. Last evaluated: 2019-08-16. Review status: criteria provided, single submitter. Criteria: GeneDx Variant Classification Process June 2021. Collection method: clinical testing. Allele origin: germline. Affected: yes.
Comment: Reported in an individual reported to have propionic acidemia who also had a second variant identified in the PCCA gene; although, no information was provided about how the diagnosis of propionic acidemia was established (Perez et al., 2003); Not observed at a significant frequency in large population cohorts (Lek et al., 2016); In-frame deletion of 1 amino acid in a non-repeat region; In silico analysis, which includes protein predictors and evolutionary conservation, supports a deleterious effect; This variant is associated with the following publications: (PMID: 12559849, 15464417)

Counsyl
Classification: Uncertain significance for Propionic acidemia. Last evaluated: 2017-10-19. Review status: no assertion criteria provided. Collection method: clinical testing. Allele origin: unknown. Not counted in ClinVar's aggregate classification.

Literature cited by the submitters: PubMed 12559849 (cited by 4 submitters); PubMed 38702429 (cited by Ambry Genetics and Natera, Inc.); PubMed 31757659 (cited by Natera, Inc.).

NM_000282.4(PCCA):c.1593_1595del (p.Leu532del)

Gene: PCCA (propionyl-CoA carboxylase subunit alpha; plus strand). Cytogenetic location: 13q32.3.
Variant type: Deletion.
Coding change: c.1593_1595del on transcript NM_000282.4 (MANE Select); coding-DNA positions 1593 to 1595, 3 bases deleted (ATT; older notation c.1593_1595delATT).
Protein change: p.Leu532del; deletes leucine 532.
Molecular consequence: inframe deletion. On other transcripts: non-coding transcript variant (5).
Genome position (GRCh38, 1-based): chr13:100,340,209-100,340,211, ATT deleted. VCF-style (leftmost placement, unchanged base first): chr13-100340208-CATT-C. GRCh37 (hg19) VCF-style: chr13-100992462-CATT-C.
Other names: c.648_650del, p.Leu217del (NM_001352611.2, NM_001352610.2); c.504_506del, p.Leu169del (NM_001352612.2); c.1515_1517del, p.Leu506del (NM_001127692.3, NM_001352607.2); c.1593_1595del, p.Leu532del (NM_001178004.2, NM_001352605.2, NM_001352609.2); c.1449_1451del, p.Leu484del (NM_001352606.2); c.1371_1373del, p.Leu458del (NM_001352608.2); short protein forms L532del, L169del, L458del, L484del, L217del, L506del.
Identifiers: ClinVar variation 554477 (VCV000554477.21), dbSNP rs937519016, ClinGen allele CA255991476.
Genomic context (GRCh38, chr13:100,340,208, plus strand): 5'-TTCCCTCAGGACACATGCTAACCAAGAGTGAGAAGAACCAGTTATTGGCAATAGCATCAT[CATT>C]GTTTGTGGCATTCCAGTTAAGAGCACAACATTTTCAAGAAAATTCAAGGTATGGTAGATC-3'